The following is an entry in ClinVar:

NM_020738.4(KIDINS220):c.3382A>G (p.Met1128Val)

Gene: KIDINS220 (kinase D interacting substrate 220; minus strand). Cytogenetic location: 2p25.1.
Variant type: single nucleotide variant.
Coding change: c.3382A>G on transcript NM_020738.4 (MANE Select); coding-DNA position 3382, A replaced by G.
Protein change: p.Met1128Val; replaces methionine 1128 with valine.
Molecular consequence: missense variant. On other transcripts: non-coding transcript variant (2).
Genome position (GRCh38, 1-based): chr2:8,750,144, T>C on the plus strand (A>G on the coding strand, the complement: KIDINS220 is on the minus strand). VCF-style: chr2-8750144-T-C. GRCh37 (hg19) VCF-style: chr2-8890274-T-C.
Other names: c.3385A>G, p.Met1129Val (NM_001348729.2, NM_001348731.2, NM_001348734.2 and 2 more transcripts); c.3382A>G, p.Met1128Val (NM_001348732.2, NM_001348735.2, NM_001348738.2 and 3 more transcripts); c.3256A>G, p.Met1086Val (NM_001348736.2); short protein forms M1086V, M1128V, M1129V.
Identifiers: ClinVar variation 3348465 (VCV003348465.1).

ClinVar aggregate classification (germline): Uncertain significance (0 of 4 stars; one submission).

Conditions:
KIDINS220-related disorder. Also called: KIDINS220-related condition.

Submission:

PreventionGenetics, part of Exact Sciences
Classification: Uncertain significance for KIDINS220-related condition. Last evaluated: 2024-02-09. Review status: no assertion criteria provided. Collection method: clinical testing. Allele origin: germline.
Comment: The KIDINS220 c.3382A>G variant is predicted to result in the amino acid substitution p.Met1128Val. To our knowledge, this variant has not been reported in the literature. This variant is reported in 0.00088% of alleles in individuals of European (Non-Finnish) descent in gnomAD. At this time, the clinical significance of this variant is uncertain due to the absence of conclusive functional and genetic evidence.